The following is an entry in ClinVar:

ClinVar aggregate classification (germline): Uncertain significance (1 of 4 stars; one submission).

gnomAD v4.1: 2 of 1,613,548 alleles (0.00012%); highest among the groups gnomAD compares: Non-Finnish European, 0.00017%; no homozygotes.

Submission:

Labcorp Genetics (formerly Invitae), Labcorp
Classification: Uncertain significance. Last evaluated: 2024-11-13. Review status: criteria provided, single submitter. Criteria: Invitae Variant Classification Sherloc (09022015). Collection method: clinical testing. Allele origin: germline.
Comment: This sequence change replaces methionine, which is neutral and non-polar, with valine, which is neutral and non-polar, at codon 949 of the RAI1 protein (p.Met949Val). This variant is present in population databases (no rsID available, gnomAD 0.0009%). This variant has not been reported in the literature in individuals affected with RAI1-related conditions. Invitae Evidence Modeling of protein sequence and biophysical properties (such as structural, functional, and spatial information, amino acid conservation, physicochemical variation, residue mobility, and thermodynamic stability) indicates that this missense variant is not expected to disrupt RAI1 protein function with a negative predictive value of 80%. In summary, the available evidence is currently insufficient to determine the role of this variant in disease. Therefore, it has been classified as a Variant of Uncertain Significance.

NM_030665.4(RAI1):c.2845A>G (p.Met949Val)

Gene: RAI1 (retinoic acid induced 1; plus strand). Cytogenetic location: 17p11.2.
Variant type: single nucleotide variant.
Coding change: c.2845A>G on transcript NM_030665.4 (MANE Select); coding-DNA position 2845, A replaced by G.
Protein change: p.Met949Val; replaces methionine 949 with valine.
Molecular consequence: missense variant.
Genome position (GRCh38, 1-based): chr17:17,795,793, A>G. VCF-style: chr17-17795793-A-G. GRCh37 (hg19) VCF-style: chr17-17699107-A-G.
Other names: short protein forms M949V.
Identifiers: ClinVar variation 3720152 (VCV003720152.2).